The following is an entry in ClinVar:

NM_004239.4(TRIP11):c.-365C>G

Gene: TRIP11 (thyroid hormone receptor interactor 11; minus strand). Cytogenetic location: 14q32.12.
Variant type: single nucleotide variant.
Coding change: c.-365C>G on transcript NM_004239.4 (MANE Select); 365 bases upstream of the start codon, C replaced by G.
Molecular consequence: 5 prime UTR variant.
Genome position (GRCh38, 1-based): chr14:92,040,050, G>C on the plus strand (C>G on the coding strand, the complement: TRIP11 is on the minus strand). VCF-style: chr14-92040050-G-C. GRCh37 (hg19) VCF-style: chr14-92506394-G-C.
Other names: c.-365C>G (NM_001321851.1).
Identifiers: ClinVar variation 314994 (VCV000314994.9), dbSNP rs74071824, ClinGen allele CA10645384.

ClinVar aggregate classification (germline): Benign/Likely benign. Review status: criteria provided, multiple submitters, no conflicts (2 of 4 stars). 3 submissions from 3 submitters: Benign (1); Likely benign (2). Last evaluated 2018-08-25.

Conditions:
Achondrogenesis, type IA (ACG1A). Identifiers: Orphanet 932, Orphanet 93299, MedGen C0265273, MONDO:0008701, OMIM 200600.

Allele frequency attached by ClinVar (database versions not stated): gnomAD 0.01329 and 0.01403; TOPMed 0.01435; 1000 Genomes Project 0.01837; 1000 Genomes Project 30x 0.01936.
gnomAD v4.1: 2,557 of 418,890 alleles (0.61%); highest among the groups gnomAD compares: African/African-American, 4.6%; 37 homozygotes.

Submissions (3):

GeneDx
Classification: Likely benign. Last evaluated: 2018-08-25. Review status: criteria provided, single submitter. Criteria: GeneDx Variant Classification Process June 2021. Collection method: clinical testing. Allele origin: germline. Affected: yes.

Illumina Laboratory Services, Illumina
Classification: Benign for Achondrogenesis, type IA. Last evaluated: 2018-01-13. Review status: criteria provided, single submitter. Criteria: ICSL Variant Classification Criteria 13 December 2019. Collection method: clinical testing. Allele origin: germline.
Comment: This variant was observed in the ICSL laboratory as part of a predisposition screen in an ostensibly healthy population. It had not been previously curated by ICSL or reported in the Human Gene Mutation Database (HGMD: prior to June 1st, 2018), and was therefore a candidate for classification through an automated scoring system. Utilizing variant allele frequency, disease prevalence and penetrance estimates, and inheritance mode, an automated score was calculated to assess if this variant is too frequent to cause the disease. Based on the score and internal cut-off values, a variant classified as benign is not then subjected to further curation. The score for this variant resulted in a classification of benign for this disease.

Breakthrough Genomics
Classification: Likely benign. Review status: criteria provided, single submitter. Criteria: ACMG Guidelines, 2015. Collection method: not provided. Allele origin: germline. Inheritance: Autosomal recessive inheritance. Affected: yes.